The following is an entry in ClinVar:

ClinVar aggregate classification (germline): Uncertain significance (1 of 4 stars; one submission).

Conditions:
Early-infantile DEE. Also called: Early infantile epileptic encephalopathy; Ohtahara syndrome; Early infantile epileptic encephalopathy with suppression bursts. Identifiers: Orphanet 1934, MedGen C0393706, MONDO:0800491.

Submission:

Labcorp Genetics (formerly Invitae), Labcorp
Classification: Uncertain significance for Early-infantile DEE. Last evaluated: 2021-05-16. Review status: criteria provided, single submitter. Criteria: Invitae Variant Classification Sherloc (09022015). Collection method: clinical testing. Allele origin: germline.
Comment: In summary, the available evidence is currently insufficient to determine the role of this variant in disease. Therefore, it has been classified as a Variant of Uncertain Significance. Algorithms developed to predict the effect of missense changes on protein structure and function are either unavailable or do not agree on the potential impact of this missense change (SIFT: "Deleterious"; PolyPhen-2: "Possibly Damaging"; Align-GVGD: "Class C0"). This variant has not been reported in the literature in individuals with KCNH5-related conditions. This variant is not present in population databases (ExAC no frequency). This sequence change replaces serine with phenylalanine at codon 23 of the KCNH5 protein (p.Ser23Phe). The serine residue is highly conserved and there is a large physicochemical difference between serine and phenylalanine.

NM_139318.5(KCNH5):c.68C>T (p.Ser23Phe)

Gene: KCNH5 (potassium voltage-gated channel subfamily H member 5; minus strand). Cytogenetic location: 14q23.2.
Variant type: single nucleotide variant.
Coding change: c.68C>T on transcript NM_139318.5 (MANE Select); coding-DNA position 68, C replaced by T.
Protein change: p.Ser23Phe; replaces serine 23 with phenylalanine.
Molecular consequence: missense variant.
Genome position (GRCh38, 1-based): chr14:63,045,119, G>A on the plus strand (C>T on the coding strand, the complement: KCNH5 is on the minus strand). VCF-style: chr14-63045119-G-A. GRCh37 (hg19) VCF-style: chr14-63511837-G-A.
Other names: c.68C>T, p.Ser23Phe (NM_172375.3); short protein forms S23F.
Identifiers: ClinVar variation 1504391 (VCV001504391.9), dbSNP rs2139638415, ClinGen allele CA390103629.